The following is an entry in ClinVar:

ClinVar aggregate classification (germline): Uncertain significance (1 of 4 stars; one submission).

Conditions:
Autosomal dominant limb-girdle muscular dystrophy type 1F (LGMDD2). Also called: MUSCULAR DYSTROPHY, LIMB-GIRDLE, AUTOSOMAL DOMINANT 2; Limb-girdle muscular dystrophy, type 1F. Identifiers: Orphanet 55595, MedGen C1842062, MONDO:0012034, OMIM 608423.

Submission:

Labcorp Genetics (formerly Invitae), Labcorp
Classification: Uncertain significance for Autosomal dominant limb-girdle muscular dystrophy type 1F. Last evaluated: 2022-10-27. Review status: criteria provided, single submitter. Criteria: Invitae Variant Classification Sherloc (09022015). Collection method: clinical testing. Allele origin: germline.
Comment: In summary, the available evidence is currently insufficient to determine the role of this variant in disease. Therefore, it has been classified as a Variant of Uncertain Significance. Advanced modeling of protein sequence and biophysical properties (such as structural, functional, and spatial information, amino acid conservation, physicochemical variation, residue mobility, and thermodynamic stability) performed at Invitae indicates that this missense variant is not expected to disrupt TNPO3 protein function. This variant has not been reported in the literature in individuals affected with TNPO3-related conditions. This variant is not present in population databases (gnomAD no frequency). This sequence change replaces leucine, which is neutral and non-polar, with valine, which is neutral and non-polar, at codon 802 of the TNPO3 protein (p.Leu802Val).

NM_012470.4(TNPO3):c.2404C>G (p.Leu802Val)

Gene: TNPO3 (transportin 3; minus strand). Cytogenetic location: 7q32.1.
Variant type: single nucleotide variant.
Coding change: c.2404C>G on transcript NM_012470.4 (MANE Select); coding-DNA position 2404, C replaced by G.
Protein change: p.Leu802Val; replaces leucine 802 with valine.
Molecular consequence: missense variant. On other transcripts: non-coding transcript variant (18).
Genome position (GRCh38, 1-based): chr7:128,972,452, G>C on the plus strand (C>G on the coding strand, the complement: TNPO3 is on the minus strand). VCF-style: chr7-128972452-G-C. GRCh37 (hg19) VCF-style: chr7-128612506-G-C.
Other names: c.2212C>G, p.Leu738Val (NM_001191028.3, NM_001382223.1); c.2506C>G, p.Leu836Val (NM_001382216.1); c.2485C>G, p.Leu829Val (NM_001382217.1); c.2404C>G, p.Leu802Val (NM_001382218.1); c.2296C>G, p.Leu766Val (NM_001382219.1); c.2263C>G, p.Leu755Val (NM_001382220.1); c.2260C>G, p.Leu754Val (NM_001382221.1); c.2257C>G, p.Leu753Val (NM_001382222.1); short protein forms L738V, L753V, L754V, L755V, L766V, L802V, L829V, L836V.
Identifiers: ClinVar variation 1722238 (VCV001722238.6), dbSNP rs2535947818, ClinGen allele CA369252288.